The following is an entry in ClinVar:

ClinVar aggregate classification (germline): Uncertain significance. Review status: criteria provided, multiple submitters, no conflicts (2 of 4 stars). 2 submissions from 2 submitters: Uncertain significance (2). Last evaluated 2026-03-15.

Allele frequency attached by ClinVar (database versions not stated): gnomAD 0.00005; ExAC 0.00007; ESP Exome Variant Server 0.00008; TOPMed 0.00008.
gnomAD v4.1: 72 of 1,612,458 alleles (0.0045%); highest among the groups gnomAD compares: East Asian, 0.11%; 1 homozygote.

Submissions (2):

GeneDx
Classification: Uncertain significance. Last evaluated: 2026-03-15. Review status: criteria provided, single submitter. Criteria: GeneDx Variant Classification Process June 2021. Collection method: clinical testing. Allele origin: germline.
Comment: In silico analysis suggests that this missense variant does not alter protein structure/function; Has not been previously published as pathogenic or benign to our knowledge

Labcorp Genetics (formerly Invitae), Labcorp
Classification: Uncertain significance. Last evaluated: 2024-12-02. Review status: criteria provided, single submitter. Criteria: Invitae Variant Classification Sherloc (09022015). Collection method: clinical testing. Allele origin: germline.
Comment: This sequence change replaces valine, which is neutral and non-polar, with methionine, which is neutral and non-polar, at codon 337 of the MRPL3 protein (p.Val337Met). This variant is present in population databases (rs141422904, gnomAD 0.05%). This variant has not been reported in the literature in individuals affected with MRPL3-related conditions. ClinVar contains an entry for this variant (Variation ID: 2983989). An algorithm developed to predict the effect of missense changes on protein structure and function outputs the following: PolyPhen-2: "Benign". The methionine amino acid residue is found in multiple mammalian species, which suggests that this missense change does not adversely affect protein function. In summary, the available evidence is currently insufficient to determine the role of this variant in disease. Therefore, it has been classified as a Variant of Uncertain Significance.

NM_007208.4(MRPL3):c.1009G>A (p.Val337Met)

Gene: MRPL3 (mitochondrial ribosomal protein L3; minus strand). Cytogenetic location: 3q22.1.
Variant type: single nucleotide variant.
Coding change: c.1009G>A on transcript NM_007208.4 (MANE Select); coding-DNA position 1009, G replaced by A.
Protein change: p.Val337Met; replaces valine 337 with methionine.
Molecular consequence: missense variant.
Genome position (GRCh38, 1-based): chr3:131,462,761, C>T on the plus strand (G>A on the coding strand, the complement: MRPL3 is on the minus strand). VCF-style: chr3-131462761-C-T. GRCh37 (hg19) VCF-style: chr3-131181605-C-T.
Other names: c.1009G>A (NM_007208.3); short protein forms V337M.
Identifiers: ClinVar variation 2983989 (VCV002983989.4), dbSNP rs141422904, ClinGen allele CA2616844.